The following is an entry in ClinVar:

NM_005751.5(AKAP9):c.8973C>G (p.Ile2991Met)

Gene: AKAP9 (A-kinase anchoring protein 9; plus strand). Cytogenetic location: 7q21.2.
Variant type: single nucleotide variant.
Coding change: c.8973C>G on transcript NM_005751.5 (MANE Select); coding-DNA position 8973, C replaced by G.
Protein change: p.Ile2991Met; replaces isoleucine 2991 with methionine.
Molecular consequence: missense variant.
Genome position (GRCh38, 1-based): chr7:92,085,635, C>G. VCF-style: chr7-92085635-C-G. GRCh37 (hg19) VCF-style: chr7-91714949-C-G.
Other names: c.3618C>G, p.Ile1206Met (NM_001379277.1); c.8949C>G, p.Ile2983Met (NM_147185.3); short protein forms I1206M, I2983M, I2991M.
Identifiers: ClinVar variation 3712169 (VCV003712169.3).

ClinVar aggregate classification (germline): Uncertain significance. Review status: criteria provided, multiple submitters, no conflicts (2 of 4 stars). 2 submissions from 2 submitters: Uncertain significance (2). Last evaluated 2025-05-19.

Conditions:
Long QT syndrome (LQTS). Identifiers: MedGen C0023976, MeSH D008133, MONDO:0002442. Disease mechanism: loss of function. Inheritance: Various modes of inheritance.
Cardiovascular phenotype. Identifiers: MedGen CN230736.

gnomAD v4.1: 4 of 1,613,662 alleles (0.00025%); highest among the groups gnomAD compares: Non-Finnish European, 0.00034%; no homozygotes.

Submissions (2):

Ambry Genetics
Classification: Uncertain significance for Cardiovascular phenotype. Last evaluated: 2025-05-19. Review status: criteria provided, single submitter. Criteria: Ambry Variant Classification Scheme 2023. Collection method: clinical testing. Allele origin: germline.

Labcorp Genetics (formerly Invitae), Labcorp
Classification: Uncertain significance for Long QT syndrome. Last evaluated: 2024-09-29. Review status: criteria provided, single submitter. Criteria: Invitae Variant Classification Sherloc (09022015). Collection method: clinical testing. Allele origin: germline.
Comment: This sequence change replaces isoleucine, which is neutral and non-polar, with methionine, which is neutral and non-polar, at codon 2991 of the AKAP9 protein (p.Ile2991Met). This variant is not present in population databases (gnomAD no frequency). This variant has not been reported in the literature in individuals affected with AKAP9-related conditions. An algorithm developed to predict the effect of missense changes on protein structure and function (PolyPhen-2) suggests that this variant is likely to be disruptive. In summary, the available evidence is currently insufficient to determine the role of this variant in disease. Therefore, it has been classified as a Variant of Uncertain Significance.